The following is an entry in ClinVar:

NM_001375765.1(GIGYF1):c.2075_2076insTCCA (p.Glu692fs)

Gene: GIGYF1 (GRB10 interacting GYF protein 1; minus strand). Cytogenetic location: 7q22.1.
Variant type: Insertion.
Coding change: c.2075_2076insTCCA on transcript NM_001375765.1 (MANE Select); coding-DNA positions 2075 to 2076, TCCA inserted.
Protein change: p.Glu692fs; shifts the reading frame from glutamic acid 692.
Molecular consequence: frameshift variant. On other transcripts: non-coding transcript variant (1).
Genome position: GRCh38 VCF-style: chr7-100683421-C-CTGGA. GRCh37 (hg19) VCF-style: chr7-100281044-C-CTGGA.
Other names: c.2075_2076insTCCA, p.Glu692fs (NM_001375759.1, NM_001375760.1, NM_001375761.1 and 6 more transcripts); short protein forms E692fs.
Identifiers: ClinVar variation 4874690 (VCV004874690.2).

ClinVar aggregate classification (germline): Uncertain significance (1 of 4 stars; one submission).

Submission:

CeGaT Center for Human Genetics Tuebingen
Classification: Uncertain significance. Last evaluated: 2026-04-01. Review status: criteria provided, single submitter. Criteria: CeGaT Center For Human Genetics Tuebingen Variant Classification Criteria Version 2. Collection method: clinical testing. Allele origin: germline. Affected: yes. Observed: 1 variant allele.
Comment: GIGYF1: PM2